The following is an entry in ClinVar:

NM_198129.4(LAMA3):c.1468+5G>A

Gene: LAMA3 (laminin subunit alpha 3; plus strand). Cytogenetic location: 18q11.2.
Variant type: single nucleotide variant.
Coding change: c.1468+5G>A on transcript NM_198129.4 (MANE Select); 5 bases into the intron after coding-DNA position 1468, G replaced by A.
Molecular consequence: intron variant.
Genome position (GRCh38, 1-based): chr18:23,777,624, G>A. VCF-style: chr18-23777624-G-A. GRCh37 (hg19) VCF-style: chr18-21357588-G-A.
Other names: c.1468+5G>A (NM_001127717.4, NM_198129.2).
Identifiers: ClinVar variation 2736784 (VCV002736784.4), dbSNP rs371863208, ClinGen allele CA8914600.

ClinVar aggregate classification (germline): Likely benign. Review status: criteria provided, single submitter (1 of 4 stars). 2 submissions from 2 submitters: Likely benign (1). 1 of the submissions does not count toward it. Last evaluated 2023-11-06.

Conditions:
LAMA3-related disorder. Also called: LAMA3-related condition; LAMA3-related disorders.

Allele frequency attached by ClinVar (database versions not stated): ExAC 0.00010; gnomAD 0.00015; ESP Exome Variant Server 0.00017; TOPMed 0.00017; gnomAD exomes 0.00018.
gnomAD v4.1: 276 of 1,604,502 alleles (0.017%); highest among the groups gnomAD compares: Non-Finnish European, 0.023%; no homozygotes.

Submissions (2):

Labcorp Genetics (formerly Invitae), Labcorp
Classification: Likely benign. Last evaluated: 2023-11-06. Review status: criteria provided, single submitter. Criteria: Invitae Variant Classification Sherloc (09022015). Collection method: clinical testing. Allele origin: germline.

PreventionGenetics, part of Exact Sciences
Classification: Likely benign for LAMA3-related condition. Last evaluated: 2019-02-28. Review status: no assertion criteria provided. Collection method: clinical testing. Allele origin: germline. Not counted in ClinVar's aggregate classification.
Comment: This variant is classified as likely benign based on ACMG/AMP sequence variant interpretation guidelines (Richards et al. 2015 PMID: 25741868, with internal and published modifications).